The following is an entry in ClinVar:

NM_004655.4(AXIN2):c.1708T>C (p.Phe570Leu)

Gene: AXIN2 (axin 2; minus strand). Cytogenetic location: 17q24.1.
Variant type: single nucleotide variant.
Coding change: c.1708T>C on transcript NM_004655.4 (MANE Select); coding-DNA position 1708, T replaced by C.
Protein change: p.Phe570Leu; replaces phenylalanine 570 with leucine.
Molecular consequence: missense variant.
Genome position (GRCh38, 1-based): chr17:65,537,328, A>G on the plus strand (T>C on the coding strand, the complement: AXIN2 is on the minus strand). VCF-style: chr17-65537328-A-G. GRCh37 (hg19) VCF-style: chr17-63533446-A-G.
Other names: c.1708T>C, p.Phe570Leu (NM_001363813.1); short protein forms F570L.
Identifiers: ClinVar variation 2451652 (VCV002451652.2), dbSNP rs373442399, ClinGen allele CA400676787.

ClinVar aggregate classification (germline): Uncertain significance (1 of 4 stars; one submission).

Conditions:
Hereditary cancer-predisposing syndrome. Also called: Neoplastic Syndromes, Hereditary; Tumor predisposition; Hereditary neoplastic syndrome; Hereditary Cancer Syndrome. Identifiers: Orphanet 140162, MedGen C0027672, MeSH D009386, MONDO:0015356.

Submission:

Ambry Genetics
Classification: Uncertain significance for Hereditary cancer-predisposing syndrome. Last evaluated: 2022-12-25. Review status: criteria provided, single submitter. Criteria: Ambry Variant Classification Scheme 2023. Collection method: clinical testing. Allele origin: germline.
Comment: The p.F570L variant (also known as c.1708T>C), located in coding exon 5 of the AXIN2 gene, results from a T to C substitution at nucleotide position 1708. The phenylalanine at codon 570 is replaced by leucine, an amino acid with highly similar properties. This amino acid position is conserved. In addition, this alteration is predicted to be tolerated by in silico analysis. Since supporting evidence is limited at this time, the clinical significance of this alteration remains unclear.